The following is an entry in ClinVar:

NM_002294.3(LAMP2):c.1040C>G (p.Thr347Ser)

Gene: LAMP2 (lysosome associated membrane protein 2; minus strand). Cytogenetic location: Xq24.
Variant type: single nucleotide variant.
Coding change: c.1040C>G on transcript NM_002294.3 (MANE Select); coding-DNA position 1040, C replaced by G.
Protein change: p.Thr347Ser; replaces threonine 347 with serine.
Molecular consequence: missense variant.
Genome position (GRCh38, 1-based): chrX:120,441,783, G>C on the plus strand (C>G on the coding strand, the complement: LAMP2 is on the minus strand). VCF-style: chrX-120441783-G-C. GRCh37 (hg19) VCF-style: chrX-119575638-G-C.
Other names: p.T347S:ACC>AGC; c.1040C>G, p.Thr347Ser (NM_001122606.1, NM_013995.2); short protein forms T347S.
Identifiers: ClinVar variation 180879 (VCV000180879.8), dbSNP rs730880487, ClinGen allele CA333684.

ClinVar aggregate classification (germline): Uncertain significance. Review status: criteria provided, multiple submitters, no conflicts (2 of 4 stars). 4 submissions from 4 submitters: Uncertain significance (4). Last evaluated 2024-03-13.

Conditions:
Cardiovascular phenotype. Identifiers: MedGen CN230736.
Danon disease. Also called: LYSOSOMAL GLYCOGEN STORAGE DISEASE WITHOUT ACID MALTASE DEFICIENCY; Glycogen Storage Disease Type IIb; PSEUDOGLYCOGENOSIS II; GSD IIb; ANTOPOL DISEASE. Identifiers: Orphanet 34587, MedGen C0878677, MONDO:0010281, OMIM 300257.

Submissions (4):

Labcorp Genetics (formerly Invitae), Labcorp
Classification: Uncertain significance for Danon disease. Last evaluated: 2024-03-13. Review status: criteria provided, single submitter. Criteria: Invitae Variant Classification Sherloc (09022015). Collection method: clinical testing. Allele origin: germline.
Comment: This sequence change replaces threonine, which is neutral and polar, with serine, which is neutral and polar, at codon 347 of the LAMP2 protein (p.Thr347Ser). This variant is not present in population databases (gnomAD no frequency). This variant has not been reported in the literature in individuals affected with LAMP2-related conditions. ClinVar contains an entry for this variant (Variation ID: 180879). Advanced modeling of protein sequence and biophysical properties (such as structural, functional, and spatial information, amino acid conservation, physicochemical variation, residue mobility, and thermodynamic stability) performed at Invitae indicates that this missense variant is expected to disrupt LAMP2 protein function with a positive predictive value of 80%. In summary, the available evidence is currently insufficient to determine the role of this variant in disease. Therefore, it has been classified as a Variant of Uncertain Significance.

Ambry Genetics
Classification: Uncertain significance for Cardiovascular phenotype. Last evaluated: 2022-01-07. Review status: criteria provided, single submitter. Criteria: Ambry Variant Classification Scheme 2023. Collection method: clinical testing. Allele origin: germline.
Comment: The p.T347S variant (also known as c.1040C>G), located in coding exon 8 of the LAMP2 gene, results from a C to G substitution at nucleotide position 1040. The threonine at codon 347 is replaced by serine, an amino acid with similar properties. This amino acid position is well conserved in available vertebrate species. In addition, this alteration is predicted to be tolerated by in silico analysis. Since supporting evidence is limited at this time, the clinical significance of this alteration remains unclear.

GeneDx
Classification: Uncertain significance. Last evaluated: 2016-06-30. Review status: criteria provided, single submitter. Criteria: GeneDx Variant Classification (06012015). Collection method: clinical testing. Allele origin: germline. Affected: yes.
Comment: p.Thr347Ser (T347S) ACC>AGC: c.1040 C>G in exon 8 of the LAMP2 gene (NM_002294.2). The Thr347Ser variant in the LAMP2 gene has not been reported as a disease-causing mutation or as a benign polymorphism to our knowledge. Thr347Ser variant was not observed in approximately 5,000 individuals of European and African American ancestry in the NHLBI Exome Sequencing Project, indicating it is not a common benign variant in these populations. Although Thr347Ser results in a conservative amino acid substitution of one neutral, polar residue for another, this substitution occurs at a position that is highly conserved across species. In silico algorithms are not consistent in their predictions, but at least two concur that Thr347Ser is possibly damaging to the protein structure/function. However, mutations in nearby residues have not been reported, indicating this region of the protein may tolerate change. With the clinical and molecular information available at this time, we cannot definitively determine if Thr347Ser is a disease-causing mutation or a rare benign variant. This result cannot be interpreted for diagnosis or used for family member screening at this time. Clinical correlation with this test result is recommended. The variant is found in HCM panel(s).

Stanford Center for Inherited Cardiovascular Disease, Stanford University
Classification: Uncertain significance. Last evaluated: 2015-03-12. Review status: criteria provided, single submitter. Criteria: ACMG Guidelines, 2015. Collection method: provider interpretation. Allele origin: germline.